The following is an entry in ClinVar:

NM_007294.4(BRCA1):c.715del (p.His239fs)

Gene: BRCA1 (BRCA1 DNA repair associated; minus strand). Cytogenetic location: 17q21.31.
Variant type: Deletion.
Coding change: c.715del on transcript NM_007294.4 (MANE Select); coding-DNA position 715, one base deleted (C; older notation c.715delC).
Protein change: p.His239fs; shifts the reading frame from histidine 239.
Molecular consequence: frameshift variant. On other transcripts: non-coding transcript variant (1).
Genome position (GRCh38, 1-based): chr17:43,094,816, G deleted on the plus strand (C on the coding strand, the reverse complement: BRCA1 is on the minus strand). VCF-style (leftmost placement, unchanged base first): chr17-43094815-TG-T. GRCh37 (hg19) VCF-style: chr17-41246832-TG-T.
Other names: c.574delC, p.His192Ilefs (NM_001407728.1, NM_001407729.1, NM_001407730.1 and 42 more transcripts); c.571delC, p.His191Ilefs (NM_001407740.1, NM_001407741.1, NM_001407742.1 and 26 more transcripts); c.502delC, p.His168Ilefs (NM_001407853.1, NM_001407894.1, NM_001407895.1 and 12 more transcripts); c.715delC, p.His239Ilefs (NM_001407854.1, NM_001407858.1, NM_001407859.1 and 52 more transcripts); c.712delC, p.His238Ilefs (NM_001407860.1, NM_001407861.1, NM_001407587.1 and 38 more transcripts); c.514delC, p.His172Ilefs (NM_001407862.1, NM_001408474.1, NM_001408476.1); c.592delC, p.His198Ilefs (NM_001407863.1, NM_001407919.1, NM_001407937.1 and 34 more transcripts); c.511delC, p.His171Ilefs (NM_001407874.1, NM_001407875.1, NM_001408475.1); and 16 more; short protein forms H192fs, H239fs.
Identifiers: ClinVar variation 252397 (VCV000252397.6), dbSNP rs879255294, ClinGen allele CA10585919.

ClinVar aggregate classification (germline): Pathogenic. Review status: reviewed by expert panel (3 of 4 stars). 4 submissions from 4 submitters: Pathogenic (1). 3 of the submissions do not count toward it. Last evaluated 2017-12-15.

Conditions:
Hereditary cancer-predisposing syndrome. Also called: Hereditary Cancer Syndrome; Neoplastic Syndromes, Hereditary; Hereditary neoplastic syndrome; Tumor predisposition. Identifiers: Orphanet 140162, MedGen C0027672, MeSH D009386, MONDO:0015356.
Breast-ovarian cancer, familial, susceptibility to, 1 (BROVCA1). Also called: BRCA1 Hereditary Breast and Ovarian Cancer; OVARIAN CANCER, SUSCEPTIBILITY TO. Identifiers: Orphanet 145, MedGen C2676676, MONDO:0011450, OMIM 604370. Disease mechanism: loss of function.

Submissions (4):

Evidence-based Network for the Interpretation of Germline Mutant Alleles (ENIGMA)
Classification: Pathogenic for Breast-ovarian cancer, familial, susceptibility to, 1. Last evaluated: 2017-12-15. Review status: reviewed by expert panel. Criteria: ENIGMA BRCA1/2 Classification Criteria (2017-06-29). Collection method: curation. Allele origin: germline. Study: ENIGMA.
Comment: Variant allele predicted to encode a truncated non-functional protein.

Baylor Genetics
Classification: Likely pathogenic for Breast-ovarian cancer, familial, susceptibility to, 1. Last evaluated: 2023-02-08. Review status: criteria provided, single submitter. Criteria: ACMG Guidelines, 2015. Collection method: clinical testing. Allele origin: unknown. Not counted in ClinVar's aggregate classification.

Ambry Genetics
Classification: Pathogenic for Hereditary cancer-predisposing syndrome. Last evaluated: 2021-11-12. Review status: criteria provided, single submitter. Criteria: Ambry Variant Classification Scheme 2023. Collection method: clinical testing. Allele origin: germline. Not counted in ClinVar's aggregate classification.
Comment: The c.715delC pathogenic mutation, located in coding exon 9 of the BRCA1 gene, results from a deletion of one nucleotide at nucleotide position 715, causing a translational frameshift with a predicted alternate stop codon (p.H239Ifs*8). This variant is considered to be rare based on population cohorts in the Genome Aggregation Database (gnomAD). This alteration is expected to result in loss of function by premature protein truncation or nonsense-mediated mRNA decay. As such, this alteration is interpreted as a disease-causing mutation.

Quest Diagnostics Nichols Institute San Juan Capistrano
Classification: Likely pathogenic for Breast-ovarian cancer, familial, susceptibility to, 1. Last evaluated: 2016-05-14. Review status: criteria provided, single submitter. Criteria: Quest Diagnostics criteria. Collection method: clinical testing. Allele origin: germline. Inheritance: Autosomal dominant inheritance. Not counted in ClinVar's aggregate classification.

Literature cited by the submitters: PubMed 26295337 (cited by Quest Diagnostics Nichols Institute San Juan Capistrano).